The following is an entry in ClinVar:

ClinVar aggregate classification (germline): Conflicting classifications of pathogenicity. Review status: criteria provided, conflicting classifications (1 of 4 stars). 2 submissions from 2 submitters: Likely pathogenic (1); Uncertain significance (1). Last evaluated 2025-11-06.

Conditions:
Inborn genetic diseases. Identifiers: MedGen C0950123, MeSH D030342.

Allele frequency attached by ClinVar (database versions not stated): TOPMed below 0.00001; ExAC 0.00001; gnomAD 0.00001; ESP Exome Variant Server 0.00008; gnomAD exomes below 0.00001.

Submissions (2):

Ambry Genetics
Classification: Uncertain significance for Inborn genetic diseases. Last evaluated: 2025-11-06. Review status: criteria provided, single submitter. Criteria: Ambry Variant Classification Scheme 2023. Collection method: clinical testing. Allele origin: germline.
Comment: The p.E247G variant (also known as c.740A>G), located in coding exon 8 of the DDX41 gene, results from an A to G substitution at nucleotide position 740. The glutamic acid at codon 247 is replaced by glycine, an amino acid with similar properties. This amino acid position is highly conserved in available vertebrate species. In addition, the in silico prediction for this alteration is inconclusive. Based on the available evidence, the clinical significance of this variant remains unclear.

GeneDx
Classification: Likely pathogenic. Last evaluated: 2022-01-05. Review status: criteria provided, single submitter. Criteria: GeneDx Variant Classification Process June 2021. Collection method: clinical testing. Allele origin: germline. Affected: yes.
Comment: Not observed at significant frequency in large population cohorts (gnomAD); In silico analysis supports that this missense variant has a deleterious effect on protein structure/function; Has not been previously published as pathogenic or benign to our knowledge; This variant is associated with the following publications: (PMID: 27535533, 27721487)

NM_016222.4(DDX41):c.740A>G (p.Glu247Gly)

Gene: DDX41 (DEAD-box helicase 41; minus strand). Cytogenetic location: 5q35.3.
Variant type: single nucleotide variant.
Coding change: c.740A>G on transcript NM_016222.4 (MANE Select); coding-DNA position 740, A replaced by G.
Protein change: p.Glu247Gly; replaces glutamic acid 247 with glycine.
Molecular consequence: missense variant.
Genome position (GRCh38, 1-based): chr5:177,514,974, T>C on the plus strand (A>G on the coding strand, the complement: DDX41 is on the minus strand). VCF-style: chr5-177514974-T-C. GRCh37 (hg19) VCF-style: chr5-176941975-T-C.
Other names: c.362A>G, p.Glu121Gly (NM_001321732.2, NM_001321830.2); short protein forms E121G, E247G.
Identifiers: ClinVar variation 1333084 (VCV001333084.3), dbSNP rs146175373, ClinGen allele CA3585040.